The following is an entry in ClinVar:

ClinVar aggregate classification (germline): Conflicting classifications of pathogenicity. Review status: criteria provided, conflicting classifications (1 of 4 stars). 2 submissions from 2 submitters: Uncertain significance (1); Likely benign (1). Last evaluated 2025-08-28.

Conditions:
Hypertrophic cardiomyopathy. Also called: HYPERTROPHIC MYOCARDIOPATHY. Identifiers: Orphanet 217569, MedGen C0007194, MeSH D002312, MONDO:0005045, HP:0001639.
Cardiomyopathy (CMYO). Also called: Cardiomyopathies. Identifiers: Orphanet 167848, MedGen C0878544, MONDO:0004994, HP:0001638. Inheritance: Various modes of inheritance.

Submissions (2):

Labcorp Genetics (formerly Invitae), Labcorp
Classification: Likely benign for Hypertrophic cardiomyopathy. Last evaluated: 2025-08-28. Review status: criteria provided, single submitter. Criteria: Invitae Variant Classification Sherloc (09022015). Collection method: clinical testing. Allele origin: germline.

All of Us Research Program, National Institutes of Health
Classification: Uncertain significance for Cardiomyopathy. Last evaluated: 2023-06-26. Review status: criteria provided, single submitter. Criteria: ACMG Guidelines, 2015. Collection method: clinical testing. Allele origin: germline. Inheritance: Autosomal dominant inheritance. Observed: 1 variant allele, 1 heterozygote.
Comment: This variant is located in the MYH7 protein. To our knowledge, functional studies have not been reported for this variant. This variant has not been reported in individuals affected with MYH7-related disorders in the literature. This variant has not been identified in the general population by the Genome Aggregation Database (gnomAD). The available evidence is insufficient to determine the role of this variant in disease conclusively. Therefore, this variant is classified as a Variant of Uncertain Significance.

This study involves interpretation of variants in research participants for the purpose of population health screening. Participant phenotype was not available at the time of variant classification. Additional details can be found in publication PMID: 35346344, PMCID: PMC8962531

NM_000257.4(MYH7):c.5590C>T (p.Leu1864=)

Gene: MYH7 (myosin heavy chain 7; minus strand). Cytogenetic location: 14q11.2.
Variant type: single nucleotide variant.
Coding change: c.5590C>T on transcript NM_000257.4 (MANE Select); coding-DNA position 5590, C replaced by T.
Protein change: p.Leu1864=; no amino-acid change (leucine 1864 retained).
Molecular consequence: synonymous variant.
Genome position (GRCh38, 1-based): chr14:23,414,072, G>A on the plus strand (C>T on the coding strand, the complement: MYH7 is on the minus strand). VCF-style: chr14-23414072-G-A. GRCh37 (hg19) VCF-style: chr14-23883281-G-A.
Other names: c.5590C>T, p.Leu1864= (NM_001407004.1).
Identifiers: ClinVar variation 3072213 (VCV003072213.2), dbSNP rs2502234650, ClinGen allele CA485616208.